The following is an entry in ClinVar:

NM_016247.4(IMPG2):c.3002A>G (p.Tyr1001Cys)

Gene: IMPG2 (interphotoreceptor matrix proteoglycan 2; minus strand). Cytogenetic location: 3q12.3.
Variant type: single nucleotide variant.
Coding change: c.3002A>G on transcript NM_016247.4 (MANE Select); coding-DNA position 3002, A replaced by G.
Protein change: p.Tyr1001Cys; replaces tyrosine 1001 with cysteine.
Molecular consequence: missense variant.
Genome position (GRCh38, 1-based): chr3:101,242,708, T>C on the plus strand (A>G on the coding strand, the complement: IMPG2 is on the minus strand). VCF-style: chr3-101242708-T-C. GRCh37 (hg19) VCF-style: chr3-100961552-T-C.
Other names: short protein forms Y1001C.
Identifiers: ClinVar variation 2114309 (VCV002114309.4), dbSNP rs573963791, ClinGen allele CA2518865.
Genomic context (GRCh38, chr3:101,242,708, plus strand): 5'-GGATTCTACTAAGAAACCACCATGCTAGGCAATATCATACCTGATTCCACATCAAGAGAG[T>C]ATTTATCAATAGCCAAGTTCATGGTATTGTAGGCAGTGGTACAAAAGTCTTCCAGAATCA-3'
Protein context (NP_057331.2, residues 991-1011): YNTMNLAIDK[Tyr1001Cys]SLDVESGDEA

ClinVar aggregate classification (germline): Uncertain significance (1 of 4 stars; one submission).

Allele frequency attached by ClinVar (database versions not stated): ExAC 0.00001; gnomAD 0.00002; TOPMed 0.00002; 1000 Genomes Project 30x 0.00016; 1000 Genomes Project 0.00020.
gnomAD v4.1: 3 of 1,612,178 alleles (0.00019%); highest among the groups gnomAD compares: African/African-American, 0.004%; no homozygotes.

Submission:

Labcorp Genetics (formerly Invitae), Labcorp
Classification: Uncertain significance. Last evaluated: 2022-03-19. Review status: criteria provided, single submitter. Criteria: Invitae Variant Classification Sherloc (09022015). Collection method: clinical testing. Allele origin: germline.
Comment: In summary, the available evidence is currently insufficient to determine the role of this variant in disease. Therefore, it has been classified as a Variant of Uncertain Significance. Algorithms developed to predict the effect of missense changes on protein structure and function are either unavailable or do not agree on the potential impact of this missense change (SIFT: "Deleterious"; PolyPhen-2: "Possibly Damaging"; Align-GVGD: "Class C15"). This variant has not been reported in the literature in individuals affected with IMPG2-related conditions. This variant is present in population databases (rs573963791, gnomAD 0.007%). This sequence change replaces tyrosine, which is neutral and polar, with cysteine, which is neutral and slightly polar, at codon 1001 of the IMPG2 protein (p.Tyr1001Cys).